The following is an entry in ClinVar:

ClinVar aggregate classification (germline): Uncertain significance (1 of 4 stars; one submission).

Conditions:
RPGRIP1L-related disorder. Also called: RPGRIP1L-related disorders; RPGRIP1L-related condition. Identifiers: MedGen CN239416.

gnomAD v4.1: 1 of 1,611,318 alleles (0.000062%); highest among the groups gnomAD compares: South Asian, 0.0011%; no homozygotes.

Submission:

PreventionGenetics, part of Exact Sciences
Classification: Uncertain significance for RPGRIP1L-related condition. Last evaluated: 2025-05-22. Review status: criteria provided, single submitter. Criteria: ACMG Guidelines, 2015. Collection method: clinical testing. Allele origin: germline.
Comment: The RPGRIP1L c.2684G>T variant is predicted to result in the amino acid substitution p.Gly895Val. This variant occurs in the first base pair of exon 18 and is predicted to activate a cryptic splice acceptor site that may result in aberrant splicing (SpliceAI, Jaganathan K, et al. 2019. PubMed ID: 30661751). However, the use of computer prediction programs is not equivalent to functional evidence. To our knowledge, this variant has not been reported in the literature or in a large population database (gnomAD), indicating this variant is rare. At this time, the clinical significance of this variant is uncertain due to the absence of conclusive functional and genetic evidence.

NM_015272.5(RPGRIP1L):c.2684G>T (p.Gly895Val)

Gene: RPGRIP1L (RPGRIP1 like; minus strand). Cytogenetic location: 16q12.2.
Variant type: single nucleotide variant.
Coding change: c.2684G>T on transcript NM_015272.5 (MANE Select); coding-DNA position 2684, G replaced by T.
Protein change: p.Gly895Val; replaces glycine 895 with valine.
Molecular consequence: missense variant.
Genome position (GRCh38, 1-based): chr16:53,641,475, C>A on the plus strand (G>T on the coding strand, the complement: RPGRIP1L is on the minus strand). VCF-style: chr16-53641475-C-A. GRCh37 (hg19) VCF-style: chr16-53675387-C-A.
Other names: c.2684G>T, p.Gly895Val (NM_001127897.4, NM_001308334.3, NM_001330538.2); short protein forms G895V.
Identifiers: ClinVar variation 4996789 (VCV004996789.1).
Genomic context (GRCh38, chr16:53,641,475, plus strand): 5'-TTCAATATAACATGGATGGTGCCAGCAGGATGCTTTTGATGGTCTGTTAACTCAAATATT[C>A]CTGTCAAATTACAATAATTTTAATTAATGCTAGAGTGAAGTTTTATTACTGTAAGAATTA-3'
Protein context (NP_056087.2, residues 885-905): ISLAHDRCIS[Gly895Val]IFELTDHQKH